The following is an entry in ClinVar:

NM_001379500.1(COL18A1):c.3720G>C (p.Glu1240Asp)

Genes: COL18A1 (collagen type XVIII alpha 1 chain; plus strand), SLC19A1 (solute carrier family 19 member 1; minus strand). Cytogenetic location: 21q22.3.
Variant type: single nucleotide variant.
Coding change: c.3720G>C on transcript NM_001379500.1 (MANE Select); coding-DNA position 3720, G replaced by C.
Protein change: p.Glu1240Asp; replaces glutamic acid 1240 with aspartic acid.
Molecular consequence: missense variant.
Genome position (GRCh38, 1-based): chr21:45,511,137, G>C. VCF-style: chr21-45511137-G-C. GRCh37 (hg19) VCF-style: chr21-46931051-G-C.
Other names: c.4251G>C, p.Glu1417Asp (NM_030582.4); c.4956G>C, p.Glu1652Asp (NM_130444.3); short protein forms E1652D, E1417D, E1240D.
Identifiers: ClinVar variation 1348550 (VCV001348550.5), dbSNP rs775914045, ClinGen allele CA10068055.
Genomic context (GRCh38, chr21:45,511,137, plus strand): 5'-CACCACACACACATACACACGGTTTCTCTTCCAGGACGAGCTGCTGTTTCCCAGCTGGGA[G>C]GCTCTGTTCTCAGGCTCTGAGGGTCCGCTGAAGCCCGGGGCACGCATCTTCTCCTTTGAC-3'
Protein context (NP_001366429.1, residues 1230-1250): LKDELLFPSW[Glu1240Asp]ALFSGSEGPL

ClinVar aggregate classification (germline): Uncertain significance (1 of 4 stars; one submission).

Allele frequency attached by ClinVar (database versions not stated): TOPMed below 0.00001; gnomAD 0.00001 and 0.00003; gnomAD exomes 0.00004 and 0.00008; ExAC 0.00013; 1000 Genomes Project 30x 0.00016.
gnomAD v4.1: 50 of 1,592,912 alleles (0.0031%); highest among the groups gnomAD compares: East Asian, 0.11%; no homozygotes.

Submission:

Labcorp Genetics (formerly Invitae), Labcorp
Classification: Uncertain significance. Last evaluated: 2024-10-24. Review status: criteria provided, single submitter. Criteria: Invitae Variant Classification Sherloc (09022015). Collection method: clinical testing. Allele origin: germline.
Comment: This sequence change replaces glutamic acid, which is acidic and polar, with aspartic acid, which is acidic and polar, at codon 1237 of the COL18A1 protein (p.Glu1237Asp). This variant is present in population databases (rs775914045, gnomAD 0.06%). This variant has not been reported in the literature in individuals affected with COL18A1-related conditions. ClinVar contains an entry for this variant (Variation ID: 1348550). Experimental studies and prediction algorithms are not available or were not evaluated, and the functional significance of this variant is currently unknown. In summary, the available evidence is currently insufficient to determine the role of this variant in disease. Therefore, it has been classified as a Variant of Uncertain Significance.